The following is an entry in ClinVar:

NM_001024613.4(FEZF1):c.1071G>A (p.Gly357=)

Gene: FEZF1 (FEZ family zinc finger 1; minus strand). Cytogenetic location: 7q31.32.
Variant type: single nucleotide variant.
Coding change: c.1071G>A on transcript NM_001024613.4 (MANE Select); coding-DNA position 1071, G replaced by A.
Protein change: p.Gly357=; no amino-acid change (glycine 357 retained).
Molecular consequence: synonymous variant.
Genome position (GRCh38, 1-based): chr7:122,302,354, C>T on the plus strand (G>A on the coding strand, the complement: FEZF1 is on the minus strand). VCF-style: chr7-122302354-C-T. GRCh37 (hg19) VCF-style: chr7-121942408-C-T.
Other names: c.921G>A, p.Gly307= (NM_001160264.3).
Identifiers: ClinVar variation 4853591 (VCV004853591.1).

ClinVar aggregate classification (germline): Uncertain significance (1 of 4 stars; one submission).

gnomAD v4.1: 19 of 1,613,710 alleles (0.0012%); highest among the groups gnomAD compares: Admixed American, 0.0017%; no homozygotes.

Submission:

Women's Health and Genetics/Laboratory Corporation of America, LabCorp
Classification: Uncertain significance. Last evaluated: 2026-05-04. Review status: criteria provided, single submitter. Criteria: LabCorp Variant Classification Summary - May 2015. Collection method: clinical testing. Allele origin: germline.
Comment: Variant summary: FEZF1 c.1071G>A (p.Gly357Gly) alters a conserved nucleotide located close to a canonical splice site and therefore could affect mRNA splicing, leading to a significantly altered protein sequence. Consensus agreement among computation tools predict no significant impact on normal splicing. However, these predictions have yet to be confirmed by functional studies. The variant allele was found at a frequency of 4e-06 in 251454 control chromosomes. The available data on variant occurrences in the general population are insufficient to allow any conclusion about variant significance. To our knowledge, no occurrence of c.1071G>A in individuals affected with FEZF1-related conditions and no experimental evidence demonstrating its impact on protein function have been reported. No submitters have cited clinical-significance assessments for this variant to ClinVar. Based on the evidence outlined above, the variant was classified as uncertain significance.